The following is an entry in ClinVar:

NM_001371986.1(UNC80):c.5660A>G (p.Glu1887Gly)

Gene: UNC80 (unc-80 subunit of NALCN channel complex; plus strand). Cytogenetic location: 2q34.
Variant type: single nucleotide variant.
Coding change: c.5660A>G on transcript NM_001371986.1 (MANE Select); coding-DNA position 5660, A replaced by G.
Protein change: p.Glu1887Gly; replaces glutamic acid 1887 with glycine.
Molecular consequence: missense variant.
Genome position (GRCh38, 1-based): chr2:209,922,381, A>G. VCF-style: chr2-209922381-A-G. GRCh37 (hg19) VCF-style: chr2-210787105-A-G.
Other names: c.5462A>G, p.Glu1821Gly (NM_032504.2); c.5447A>G, p.Glu1816Gly (NM_182587.4); short protein forms E1816G, E1821G, E1887G.
Identifiers: ClinVar variation 3778445 (VCV003778445.7).
Genomic context (GRCh38, chr2:209,922,381, plus strand): 5'-ACAGGAATTATTCCTTCCGCCGCGGGTCAGTCTGGTCAGTGCGTTCAGCCGTCAGTGCTG[A>G]AGGTGTGTCCTCTTGCATACGTTTTATTTCTCCTGACTTATGTGTTTTGAAACACTTTCC-3'
Protein context (NP_001358915.1, residues 1877-1897): VWSVRSAVSA[Glu1887Gly]DEEHTTEHTP

ClinVar aggregate classification (germline): Uncertain significance (1 of 4 stars; one submission).

Submission:

CeGaT Center for Human Genetics Tuebingen
Classification: Uncertain significance. Last evaluated: 2025-03-01. Review status: criteria provided, single submitter. Criteria: CeGaT Center For Human Genetics Tuebingen Variant Classification Criteria Version 2. Collection method: clinical testing. Allele origin: germline. Affected: yes. Observed: 2 variant alleles.
Comment: UNC80: PM2, PM3:Supporting